The following is an entry in ClinVar:

ClinVar aggregate classification (germline): Pathogenic (1 of 4 stars; one submission).

Conditions:
Primary ciliary dyskinesia 3. Identifiers: Orphanet 244, MedGen C1837618, MONDO:0012085, OMIM 608644.

Submission:

Myriad Genetics, Inc.
Classification: Pathogenic for Primary ciliary dyskinesia 3. Last evaluated: 2024-05-14. Review status: criteria provided, single submitter. Criteria: Myriad Autosomal Dominant, Autosomal Recessive and X-Linked Classification Criteria (2023). Collection method: clinical testing. Allele origin: unknown.
Comment: NM_001369.2(DNAH5):c.894_895ins19(Y299Rfs*4) is expected to be pathogenic in the context of primary ciliary dyskinesia, DNAH5-related. This variant is predicted to lead to an abnormal or absent protein product due to the creation of a premature termination codon in DNAH5, a gene where loss-of-function variants are known to be pathogenic. Please note: this variant was assessed in the context of healthy population screening.

NM_001369.3(DNAH5):c.894_895insAGATGTGTATAAGAGACAG (p.Tyr299delinsArgCysValTer)

Gene: DNAH5 (dynein axonemal heavy chain 5; minus strand). Cytogenetic location: 5p15.2.
Variant type: Insertion.
Coding change: c.894_895insAGATGTGTATAAGAGACAG on transcript NM_001369.3 (MANE Select); coding-DNA positions 894 to 895, AGATGTGTATAAGAGACAG inserted.
Protein change: p.Tyr299delinsArgCysValTer.
Molecular consequence: nonsense.
Genome position: GRCh38 VCF-style: chr5-13919256-A-ACTGTCTCTTATACACATCT. GRCh37 (hg19) VCF-style: chr5-13919365-A-ACTGTCTCTTATACACATCT.
Identifiers: ClinVar variation 5010372 (VCV005010372.1).